The following is an entry in ClinVar:

NM_001144967.3(NEDD4L):c.1575+6G>T

Gene: NEDD4L (NEDD4 like E3 ubiquitin protein ligase; plus strand). Cytogenetic location: 18q21.31.
Variant type: single nucleotide variant.
Coding change: c.1575+6G>T on transcript NM_001144967.3 (MANE Select); 6 bases into the intron after coding-DNA position 1575, G replaced by T.
Molecular consequence: intron variant.
Genome position (GRCh38, 1-based): chr18:58,343,109, G>T. VCF-style: chr18-58343109-G-T. GRCh37 (hg19) VCF-style: chr18-56010341-G-T.
Other names: c.1515+6G>T (NM_015277.6); c.1383+6G>T (NM_001243960.2); c.1212+6G>T (NM_001144964.1, NM_001144965.2, NM_001144966.3); c.1152+6G>T (NM_001144971.2, NM_001144970.3); c.1551+6G>T (NM_001144968.2); c.1491+6G>T (NM_001144969.2); c.2412+6G>T (NM_001437337.1).
Identifiers: ClinVar variation 4804300 (VCV004804300.1).

ClinVar aggregate classification (germline): Uncertain significance (1 of 4 stars; one submission).

gnomAD v4.1: 1 of 1,578,472 alleles (0.000063%); highest among the groups gnomAD compares: East Asian, 0.0023%; no homozygotes.

Submission:

Labcorp Genetics (formerly Invitae), Labcorp
Classification: Uncertain significance. Last evaluated: 2026-01-21. Review status: criteria provided, single submitter. Criteria: Invitae Variant Classification Sherloc (09022015). Collection method: clinical testing. Allele origin: germline.
Comment: This sequence change falls in intron 15 of the NEDD4L gene. It does not directly change the encoded amino acid sequence of the NEDD4L protein. It affects a nucleotide within the consensus splice site. This variant is not present in population databases (gnomAD no frequency). This variant has not been reported in the literature in individuals affected with NEDD4L-related conditions. Variants that disrupt the consensus splice site are a relatively common cause of aberrant splicing (PMID: 17576681, 9536098). Algorithms developed to predict the effect of sequence changes on RNA splicing suggest that this variant is not likely to affect RNA splicing. In summary, the available evidence is currently insufficient to determine the role of this variant in disease. Therefore, it has been classified as a Variant of Uncertain Significance.

Literature cited by the submitters: PubMed 17576681; PubMed 9536098.